The following is an entry in ClinVar:

ClinVar aggregate classification (germline): Uncertain significance (1 of 4 stars; one submission).

Conditions:
Spastic paraplegia. Identifiers: MedGen C0037772, HP:0001258.
Combined oxidative phosphorylation defect type 7. Identifiers: Orphanet 254930, MedGen C3150801, MONDO:0013306, OMIM 613559.

Submission:

Labcorp Genetics (formerly Invitae), Labcorp
Classification: Uncertain significance for Combined oxidative phosphorylation defect type 7; Spastic paraplegia. Last evaluated: 2019-10-27. Review status: criteria provided, single submitter. Criteria: Invitae Variant Classification Sherloc (09022015). Collection method: clinical testing. Allele origin: germline.
Comment: Algorithms developed to predict the effect of missense changes on protein structure and function (SIFT, PolyPhen-2, Align-GVGD) all suggest that this variant is likely to be disruptive, but these predictions have not been confirmed by published functional studies and their clinical significance is uncertain. In summary, the available evidence is currently insufficient to determine the role of this variant in disease. Therefore, it has been classified as a Variant of Uncertain Significance. This variant has not been reported in the literature in individuals with C12orf65-related disease. This sequence change replaces histidine with leucine at codon 86 of the C12orf65 protein (p.His86Leu). The histidine residue is highly conserved and there is a moderate physicochemical difference between histidine and leucine. This variant is not present in population databases (ExAC no frequency).

NM_152269.5(MTRFR):c.257A>T (p.His86Leu)

Gene: MTRFR (mitochondrial translation release factor in rescue; plus strand). Cytogenetic location: 12q24.31.
Variant type: single nucleotide variant.
Coding change: c.257A>T on transcript NM_152269.5 (MANE Select); coding-DNA position 257, A replaced by T.
Protein change: p.His86Leu; replaces histidine 86 with leucine.
Molecular consequence: missense variant.
Genome position (GRCh38, 1-based): chr12:123,253,931, A>T. VCF-style: chr12-123253931-A-T. GRCh37 (hg19) VCF-style: chr12-123738478-A-T.
Other names: c.257A>T, p.His86Leu (NM_001143905.2, NM_001194995.1); short protein forms H86L.
Identifiers: ClinVar variation 582973 (VCV000582973.10), dbSNP rs1565998038, ClinGen allele CA387118836.